The following is an entry in ClinVar:

NM_002878.4(RAD51D):c.538G>A (p.Asp180Asn)

Genes: RAD51D (RAD51 paralog D; minus strand), RAD51L3-RFFL (RAD51L3-RFFL readthrough; minus strand). Cytogenetic location: 17q12.
Variant type: single nucleotide variant.
Coding change: c.538G>A on transcript NM_002878.4 (MANE Select); coding-DNA position 538, G replaced by A.
Protein change: p.Asp180Asn; replaces aspartic acid 180 with asparagine.
Molecular consequence: missense variant. On other transcripts: non-coding transcript variant (3).
Genome position (GRCh38, 1-based): chr17:35,106,424, C>T on the plus strand (G>A on the coding strand, the complement: RAD51D is on the minus strand). VCF-style: chr17-35106424-C-T. GRCh37 (hg19) VCF-style: chr17-33433443-C-T.
Other names: c.598G>A, p.Asp200Asn (NM_001142571.2); c.202G>A, p.Asp68Asn (NM_133629.3); short protein forms D180N, D200N, D68N.
Identifiers: ClinVar variation 1446164 (VCV001446164.12), dbSNP rs2142429135, ClinGen allele CA399088724.

ClinVar aggregate classification (germline): Uncertain significance. Review status: criteria provided, multiple submitters, no conflicts (2 of 4 stars). 3 submissions from 3 submitters: Uncertain significance (3). Last evaluated 2026-02-17.

Conditions:
Hereditary cancer-predisposing syndrome. Also called: Neoplastic Syndromes, Hereditary; Tumor predisposition; Hereditary Cancer Syndrome; Hereditary neoplastic syndrome. Identifiers: Orphanet 140162, MedGen C0027672, MeSH D009386, MONDO:0015356.
Breast-ovarian cancer, familial, susceptibility to, 4. Identifiers: Orphanet 145, MedGen C3280345, MONDO:0013669, OMIM 614291.

Submissions (3):

Ambry Genetics
Classification: Uncertain significance for Hereditary cancer-predisposing syndrome. Last evaluated: 2026-02-17. Review status: criteria provided, single submitter. Criteria: Ambry Variant Classification Scheme 2023. Collection method: clinical testing. Allele origin: germline.

Color Diagnostics, LLC DBA Color Health
Classification: Uncertain significance for Hereditary cancer-predisposing syndrome. Last evaluated: 2024-08-12. Review status: criteria provided, single submitter. Criteria: ACMG Guidelines, 2015. Collection method: clinical testing. Allele origin: germline.
Comment: This missense variant replaces aspartic acid with asparagine at codon 180 of the RAD51D protein. Computational prediction suggests that this variant may not impact protein structure and function (internally defined REVEL score threshold <= 0.5, PMID: 27666373). To our knowledge, functional studies have not been reported for this variant. This variant has not been reported in individuals affected with RAD51D-related disorders in the literature. This variant has not been identified in the general population by the Genome Aggregation Database (gnomAD). The available evidence is insufficient to determine the role of this variant in disease conclusively. Therefore, this variant is classified as a Variant of Uncertain Significance.

Labcorp Genetics (formerly Invitae), Labcorp
Classification: Uncertain significance for Breast-ovarian cancer, familial, susceptibility to, 4. Last evaluated: 2021-03-17. Review status: criteria provided, single submitter. Criteria: Invitae Variant Classification Sherloc (09022015). Collection method: clinical testing. Allele origin: germline.
Comment: This variant is not present in population databases (ExAC no frequency). This sequence change replaces aspartic acid with asparagine at codon 180 of the RAD51D protein (p.Asp180Asn). The aspartic acid residue is moderately conserved and there is a small physicochemical difference between aspartic acid and asparagine. This variant has not been reported in the literature in individuals with RAD51D-related conditions. In summary, the available evidence is currently insufficient to determine the role of this variant in disease. Therefore, it has been classified as a Variant of Uncertain Significance. Algorithms developed to predict the effect of missense changes on protein structure and function (SIFT, PolyPhen-2, Align-GVGD) all suggest that this variant is likely to be tolerated, but these predictions have not been confirmed by published functional studies and their clinical significance is uncertain.